The following is an entry in ClinVar:

ClinVar aggregate classification (germline): Pathogenic/Likely pathogenic. Review status: criteria provided, multiple submitters, no conflicts (2 of 4 stars). 4 submissions from 4 submitters: Pathogenic (1); Likely pathogenic (2). 1 of the submissions does not count toward it. Last evaluated 2025-10-20.

Conditions:
Inborn genetic diseases. Identifiers: MedGen C0950123, MeSH D030342.
DDX41-related hematologic malignancy predisposition syndrome. Also called: Myeloproliferative/lymphoproliferative neoplasms, familial (multiple types), susceptibility to; DDX41-Associated Familial Myelodysplastic Syndrome and Acute Myeloid Leukemia. Identifiers: Orphanet 488647, MedGen C4225174, MONDO:0014809, OMIM 616871.

gnomAD v4.1: 6 of 1,614,160 alleles (0.00037%); highest among the groups gnomAD compares: East Asian, 0.0022%; no homozygotes.

Submissions (4):

Ambry Genetics
Classification: Likely pathogenic for Inborn genetic diseases. Last evaluated: 2025-10-20. Review status: criteria provided, single submitter. Criteria: Ambry Variant Classification Scheme 2023. Collection method: clinical testing. Allele origin: germline.
Comment: The c.434+1G>C intronic variant results from a G to C substitution one nucleotide after coding exon 5 of the DDX41 gene. This variant is considered to be rare based on population cohorts in the Genome Aggregation Database (gnomAD). This nucleotide position is highly conserved in available vertebrate species. In silico splice site analysis predicts that this alteration will weaken the native splice donor site. Alterations that disrupt the canonical splice site are expected to cause aberrant splicing, resulting in an abnormal protein or a transcript that is subject to nonsense-mediated mRNA decay. As such, this alteration is classified as likely pathogenic.

Baylor Genetics
Classification: Pathogenic for DDX41-related hematologic malignancy predisposition syndrome. Last evaluated: 2024-03-20. Review status: criteria provided, single submitter. Criteria: ACMG Guidelines, 2015. Collection method: clinical testing. Allele origin: unknown.

Genetic Services Laboratory, University of Chicago
Classification: Likely pathogenic. Last evaluated: 2019-03-05. Review status: criteria provided, single submitter. Criteria: ACMG Guidelines, 2015. Collection method: clinical testing. Allele origin: germline. Affected: yes.
Comment: DNA sequence analysis of the DDX41 gene demonstrated a sequence change in the canonical splice donor site of intron 5, c.434+1G>C. This sequence change does not appear to have been previously described in patients with DDX41-related disorders and has also not been described as a known benign sequence change in the DDX41 gene. This pathogenic sequence change is predicted to affect normal splicing of the DDX41 gene and result in an abnormal protein. Other truncating variants have been reported in association with DDX41-related disorders that are in close proximity to this sequence change, including a frameshift mutation, c.415_418dupGATG (p.Asp140Glyfs*2) that has been reported in multiple families with myeloid neoplasms (PMID: 25920683).

Clinical Genomics Labs, University Health Network
Classification: Pathogenic for DDX41-related hematologic malignancy predisposition syndrome. Last evaluated: 2018-09-11. Review status: no assertion criteria provided. Criteria: ACMG Guidelines, 2015. Collection method: clinical testing. Allele origin: germline. Affected: yes. Not counted in ClinVar's aggregate classification.

NM_016222.4(DDX41):c.434+1G>C

Gene: DDX41 (DEAD-box helicase 41; minus strand). Cytogenetic location: 5q35.3.
Variant type: single nucleotide variant.
Coding change: c.434+1G>C on transcript NM_016222.4 (MANE Select); the canonical splice donor site of the intron after coding-DNA position 434, G replaced by C.
Molecular consequence: splice donor variant.
Genome position (GRCh38, 1-based): chr5:177,515,928, C>G on the plus strand (G>C on the coding strand, the complement: DDX41 is on the minus strand). VCF-style: chr5-177515928-C-G. GRCh37 (hg19) VCF-style: chr5-176942929-C-G.
Other names: c.56+1G>C (NM_001321830.2, NM_001321732.2).
Identifiers: ClinVar variation 1338492 (VCV001338492.7), dbSNP rs1170971274, ClinGen allele CA362376279.